The following is an entry in ClinVar:

NM_172107.4(KCNQ2):c.1824G>A (p.Pro608=)

Gene: KCNQ2 (potassium voltage-gated channel subfamily Q member 2; minus strand). Cytogenetic location: 20q13.33.
Variant type: single nucleotide variant.
Coding change: c.1824G>A on transcript NM_172107.4 (MANE Select); coding-DNA position 1824, G replaced by A.
Protein change: p.Pro608=; no amino-acid change (proline 608 retained).
Molecular consequence: synonymous variant.
Genome position (GRCh38, 1-based): chr20:63,408,476, C>T on the plus strand (G>A on the coding strand, the complement: KCNQ2 is on the minus strand). VCF-style: chr20-63408476-C-T. GRCh37 (hg19) VCF-style: chr20-62039829-C-T.
Other names: c.1878G>A, p.Pro626= (NM_001382235.1); c.1740G>A, p.Pro580= (NM_004518.6); c.1770G>A, p.Pro590= (NM_172106.3); c.1731G>A, p.Pro577= (NM_172108.5).
Identifiers: ClinVar variation 2777252 (VCV002777252.25), dbSNP rs146699929, ClinGen allele CA9958236.
Genomic context (GRCh38, chr20:63,408,476, plus strand): 5'-CTTCTCCACCTTCCCGAGCCGTCCCATCATGCTGGGGTCCTCGGGCAGCTCCGCCTCGGC[C>T]GGGCCCTTGGTGCGGTCCTTGTCCGTGATCGCTGGGCCCCGCCCCACGATCTGGTCCACT-3'
Protein context (NP_742105.1, residues 598-618): AITDKDRTKG[Pro608=]AEAELPEDPS

ClinVar aggregate classification (germline): Likely benign. Review status: criteria provided, multiple submitters, no conflicts (2 of 4 stars). 2 submissions from 2 submitters: Likely benign (2). Last evaluated 2024-01-01.

Conditions:
Early-infantile DEE. Also called: Early infantile epileptic encephalopathy with suppression bursts; Early infantile epileptic encephalopathy; Ohtahara syndrome. Identifiers: Orphanet 1934, MedGen C0393706, MONDO:0800491.

Allele frequency attached by ClinVar (database versions not stated): gnomAD 0.00001; ExAC 0.00002; TOPMed 0.00002; ESP Exome Variant Server 0.00015.
gnomAD v4.1: 9 of 1,607,800 alleles (0.00056%); highest among the groups gnomAD compares: African/African-American, 0.0067%; no homozygotes.

Submissions (2):

CeGaT Center for Human Genetics Tuebingen
Classification: Likely benign. Last evaluated: 2024-01-01. Review status: criteria provided, single submitter. Criteria: CeGaT Center For Human Genetics Tuebingen Variant Classification Criteria Version 2. Collection method: clinical testing. Allele origin: germline. Affected: yes. Observed: 1 variant allele.
Comment: KCNQ2: BP4, BP7

Labcorp Genetics (formerly Invitae), Labcorp
Classification: Likely benign for Early-infantile DEE. Last evaluated: 2023-11-14. Review status: criteria provided, single submitter. Criteria: Invitae Variant Classification Sherloc (09022015). Collection method: clinical testing. Allele origin: germline.